The following is an entry in ClinVar:

ClinVar aggregate classification (germline): Uncertain significance (1 of 4 stars; one submission).

Conditions:
KIF21B-related disorder. Also called: KIF21B-related condition; KIF21B-related disorders.

Submission:

PreventionGenetics, part of Exact Sciences
Classification: Uncertain significance for KIF21B-related condition. Last evaluated: 2023-06-27. Review status: criteria provided, single submitter. Criteria: ACMG Guidelines, 2015. Collection method: clinical testing. Allele origin: germline.
Comment: The KIF21B c.197C>G variant is predicted to result in the amino acid substitution p.Thr66Ser. To our knowledge, this variant has not been reported in the literature or in a large population database, indicating this variant is rare. At this time, the clinical significance of this variant is uncertain due to the absence of conclusive functional and genetic evidence.

NM_001252102.2(KIF21B):c.197C>G (p.Thr66Ser)

Gene: KIF21B (kinesin family member 21B; minus strand). Cytogenetic location: 1q32.1.
Variant type: single nucleotide variant.
Coding change: c.197C>G on transcript NM_001252102.2 (MANE Select); coding-DNA position 197, C replaced by G.
Protein change: p.Thr66Ser; replaces threonine 66 with serine.
Molecular consequence: missense variant.
Genome position (GRCh38, 1-based): chr1:201,009,333, G>C on the plus strand (C>G on the coding strand, the complement: KIF21B is on the minus strand). VCF-style: chr1-201009333-G-C. GRCh37 (hg19) VCF-style: chr1-200978461-G-C.
Other names: c.197C>G, p.Thr66Ser (NM_001252100.2, NM_001252103.2, NM_017596.4); short protein forms T66S.
Identifiers: ClinVar variation 2632149 (VCV002632149.1), dbSNP rs755110188, ClinGen allele CA344119954.
Genomic context (GRCh38, chr1:201,009,333, plus strand): 5'-TAGGCCAGCACCGTGGCATTATAGCCCTCGAAGCAGCCCTCGATGAGCTTGCTCACACAG[G>C]TGGAATAGATCTGTTCTTGCCAGGTGTCCAGGTCGAAGACAAAGTCATAGGTGAAGGCCT-3'
Protein context (NP_001239031.1, residues 56-76): LDTWQEQIYS[Thr66Ser]CVSKLIEGCF